The following is an entry in ClinVar:

NM_001384732.1(CPLANE1):c.7662_7666del (p.Ser2554fs)

Gene: CPLANE1 (ciliogenesis and planar polarity effector complex subunit 1; minus strand). Cytogenetic location: 5p13.2.
Variant type: Deletion.
Coding change: c.7662_7666del on transcript NM_001384732.1 (MANE Select); coding-DNA positions 7662 to 7666, 5 bases deleted (TCAAG; older notation c.7662_7666delTCAAG).
Protein change: p.Ser2554fs; shifts the reading frame from serine 2554.
Molecular consequence: frameshift variant.
Genome position (GRCh38, 1-based): chr5:37,162,489-37,162,493, CTTGA deleted on the plus strand (TCAAG on the coding strand, the reverse complement: CPLANE1 is on the minus strand); deleting any 5 consecutive bases within chr5:37,162,489-37,162,496 gives the same sequence; the c. name uses the placement nearest the transcript's 3' end. VCF-style (leftmost placement, unchanged base first): chr5-37162488-TCTTGA-T. GRCh37 (hg19) VCF-style: chr5-37162590-TCTTGA-T.
Other names: c.7662_7666del, p.Ser2554fs (NM_023073.4); short protein forms S2554fs.
Identifiers: ClinVar variation 2714930 (VCV002714930.4), dbSNP rs756416171, ClinGen allele CA3237985.
Genomic context (GRCh38, chr5:37,162,488, plus strand): 5'-ATATATGAATTTTTTTAAAAAGTAAAACAGCATTTACCTGGGTCTGTATTTGTACTTGCA[TCTTGA>T]CTTCCTATAGCTTTCTTTTTTACAGAGGCCATGAAATGCAATCCAGCTGAAGTATTATCA-3'

ClinVar aggregate classification (germline): Pathogenic. Review status: criteria provided, multiple submitters, no conflicts (2 of 4 stars). 2 submissions from 2 submitters: Pathogenic (2). Last evaluated 2023-09-27.

Conditions:
CPLANE1-related disorders.

Submissions (2):

Blueprint Genetics
Classification: Pathogenic for CPLANE1-related disorders. Last evaluated: 2023-09-27. Review status: criteria provided, single submitter. Criteria: ACMG Guidelines, 2015. Collection method: clinical testing. Allele origin: germline. Affected: yes. Observed: 1 variant allele.

Labcorp Genetics (formerly Invitae), Labcorp
Classification: Pathogenic. Last evaluated: 2023-01-19. Review status: criteria provided, single submitter. Criteria: Invitae Variant Classification Sherloc (09022015). Collection method: clinical testing. Allele origin: germline.
Comment: This sequence change creates a premature translational stop signal (p.Ser2554Argfs*11) in the CPLANE1 gene. It is expected to result in an absent or disrupted protein product. Loss-of-function variants in CPLANE1 are known to be pathogenic (PMID: 24178751, 26092869). This variant is present in population databases (rs756416171, gnomAD 0.009%). For these reasons, this variant has been classified as Pathogenic. Algorithms developed to predict the effect of sequence changes on RNA splicing suggest that this variant may disrupt the consensus splice site. This variant is also known as p.Ser2555Argfs*11. This premature translational stop signal has been observed in individual(s) with clinical features of CPLANE1-related conditions (PMID: 27081551).

Literature cited by the submitters: PubMed 24178751 (cited by Labcorp Genetics (formerly Invitae), Labcorp); PubMed 26092869 (cited by Labcorp Genetics (formerly Invitae), Labcorp); PubMed 27081551 (cited by Labcorp Genetics (formerly Invitae), Labcorp).